The following is an entry in ClinVar:

NM_001166108.2(PALLD):c.1965-12803G>C

Gene: PALLD (palladin, cytoskeletal associated protein; plus strand). Cytogenetic location: 4q32.3.
Variant type: single nucleotide variant.
Coding change: c.1965-12803G>C on transcript NM_001166108.2 (MANE Select); 12803 bases into the intron before coding-DNA position 1965, G replaced by C.
Molecular consequence: intron variant. On other transcripts: missense variant (1).
Genome position (GRCh38, 1-based): chr4:168,878,119, G>C. VCF-style: chr4-168878119-G-C. GRCh37 (hg19) VCF-style: chr4-169799270-G-C.
Other names: c.228G>C, p.Glu76Asp (NM_001166110.2); c.1965-12803G>C (NM_016081.4); c.819-12803G>C (NM_001166109.2); c.-157-12803G>C (NM_001367570.1, NM_001367568.1, NM_001367567.1 and 1 more transcripts); short protein forms E76D.
Identifiers: ClinVar variation 3885365 (VCV003885365.1).
Genomic context (GRCh38, chr4:168,878,119, plus strand): 5'-GACGCCGAGGCAGTTCGGCCGCGCCCCCGTGCCGCCCTTCGCGCAGCCCTTCGGCGCTGA[G>C]CCCGAGGCCCCGTGGGGCTCCTCCTCGCCGTCGCCCCCGCCCCCGCCACCCCCGGTCTTC-3'

ClinVar aggregate classification (germline): Uncertain significance (1 of 4 stars; one submission).

Submission:

Ambry Genetics
Classification: Uncertain significance. Last evaluated: 2025-03-08. Review status: criteria provided, single submitter. Criteria: Ambry Variant Classification Scheme 2023. Collection method: clinical testing. Allele origin: germline.
Comment: The p.E76D variant (also known as c.228G>C), located in coding exon 1 of the PALLD gene, results from a G to C substitution at nucleotide position 228. The glutamic acid at codon 76 is replaced by aspartic acid, an amino acid with highly similar properties. This amino acid position is conserved. In addition, this alteration is predicted to be tolerated by in silico analysis. Based on the available evidence, the clinical significance of this variant remains unclear.